The following is an entry in ClinVar:

NM_001379200.1(TBX1):c.230A>C (p.His77Pro)

Gene: TBX1 (T-box transcription factor 1; plus strand). Cytogenetic location: 22q11.21.
Variant type: single nucleotide variant.
Coding change: c.230A>C on transcript NM_001379200.1 (MANE Select); coding-DNA position 230, A replaced by C.
Protein change: p.His77Pro; replaces histidine 77 with proline.
Molecular consequence: missense variant.
Genome position (GRCh38, 1-based): chr22:19,761,073, A>C. VCF-style: chr22-19761073-A-C. GRCh37 (hg19) VCF-style: chr22-19748596-A-C.
Other names: c.203A>C, p.His68Pro (NM_005992.1, NM_080646.2, NM_080647.1); short protein forms H68P, H77P.
Identifiers: ClinVar variation 1784862 (VCV001784862.7), dbSNP rs2517842235, ClinGen allele CA410681421.

ClinVar aggregate classification (germline): Uncertain significance. Review status: criteria provided, multiple submitters, no conflicts (2 of 4 stars). 2 submissions from 2 submitters: Uncertain significance (2). Last evaluated 2022-08-14.

Conditions:
DiGeorge syndrome. Also called: THIRD AND FOURTH PHARYNGEAL POUCH SYNDROME; Catch22. Identifiers: Orphanet 567, MedGen C0012236, MONDO:0008564, OMIM 188400.
Cardiovascular phenotype. Identifiers: MedGen CN230736.

Submissions (2):

Ambry Genetics
Classification: Uncertain significance for Cardiovascular phenotype. Last evaluated: 2022-08-14. Review status: criteria provided, single submitter. Criteria: Ambry Variant Classification Scheme 2023. Collection method: clinical testing. Allele origin: germline.
Comment: The p.H68P variant (also known as c.203A>C), located in coding exon 2 of the TBX1 gene, results from an A to C substitution at nucleotide position 203. The histidine at codon 68 is replaced by proline, an amino acid with similar properties. This amino acid position is conserved. In addition, this alteration is predicted to be tolerated by in silico analysis. Since supporting evidence is limited at this time, the clinical significance of this alteration remains unclear.

Labcorp Genetics (formerly Invitae), Labcorp
Classification: Uncertain significance for DiGeorge syndrome. Last evaluated: 2022-06-29. Review status: criteria provided, single submitter. Criteria: Invitae Variant Classification Sherloc (09022015). Collection method: clinical testing. Allele origin: germline.
Comment: In summary, the available evidence is currently insufficient to determine the role of this variant in disease. Therefore, it has been classified as a Variant of Uncertain Significance. Algorithms developed to predict the effect of missense changes on protein structure and function are either unavailable or do not agree on the potential impact of this missense change (SIFT: "Tolerated"; PolyPhen-2: "Not Available"; Align-GVGD: "Class C0"). This variant has not been reported in the literature in individuals affected with TBX1-related conditions. The frequency data for this variant in the population databases is considered unreliable, as metrics indicate insufficient coverage at this position in the gnomAD database. This sequence change replaces histidine, which is basic and polar, with proline, which is neutral and non-polar, at codon 68 of the TBX1 protein (p.His68Pro).